The following is an entry in ClinVar:

ClinVar aggregate classification (germline): Uncertain significance (1 of 4 stars; one submission).

Conditions:
MLIP-related disorder. Also called: MLIP-related condition.

gnomAD v4.1: 5 of 1,536,064 alleles (0.00033%); highest among the groups gnomAD compares: South Asian, 0.0036%; no homozygotes.

Submission:

PreventionGenetics, part of Exact Sciences
Classification: Uncertain significance for MLIP-related condition. Last evaluated: 2025-09-15. Review status: criteria provided, single submitter. Criteria: ACMG Guidelines, 2015. Collection method: clinical testing. Allele origin: germline.
Comment: The MLIP c.1573A>G variant is predicted to result in the amino acid substitution p.Arg525Gly. To our knowledge, this variant has not been reported in the literature or in a large population database (gnomAD), indicating this variant is rare. At this time, the clinical significance of this variant is uncertain due to the absence of conclusive functional and genetic evidence.

NM_001281747.2(MLIP):c.1573A>G (p.Arg525Gly)

Gene: MLIP (muscular LMNA interacting protein; plus strand). Cytogenetic location: 6p12.1.
Variant type: single nucleotide variant.
Coding change: c.1573A>G on transcript NM_001281747.2 (MANE Select); coding-DNA position 1573, A replaced by G.
Protein change: p.Arg525Gly; replaces arginine 525 with glycine.
Molecular consequence: missense variant. On other transcripts: intron variant (1).
Genome position (GRCh38, 1-based): chr6:54,137,642, A>G. VCF-style: chr6-54137642-A-G. GRCh37 (hg19) VCF-style: chr6-54002440-A-G.
Other names: c.1540A>G, p.Arg514Gly (NM_001281746.2); c.613-11414A>G (NM_138569.3); short protein forms R514G, R525G.
Identifiers: ClinVar variation 4984941 (VCV004984941.1).